The following is an entry in ClinVar:

ClinVar aggregate classification (germline): Uncertain significance (1 of 4 stars; one submission).

Submission:

Labcorp Genetics (formerly Invitae), Labcorp
Classification: Uncertain significance. Last evaluated: 2022-07-20. Review status: criteria provided, single submitter. Criteria: Invitae Variant Classification Sherloc (09022015). Collection method: clinical testing. Allele origin: germline.
Comment: This variant has not been reported in the literature in individuals affected with FAT4-related conditions. In summary, the available evidence is currently insufficient to determine the role of this variant in disease. Therefore, it has been classified as a Variant of Uncertain Significance. Advanced modeling of protein sequence and biophysical properties (such as structural, functional, and spatial information, amino acid conservation, physicochemical variation, residue mobility, and thermodynamic stability) performed at Invitae indicates that this missense variant is not expected to disrupt FAT4 protein function. This variant is not present in population databases (gnomAD no frequency). This sequence change replaces valine, which is neutral and non-polar, with glutamic acid, which is acidic and polar, at codon 3233 of the FAT4 protein (p.Val3233Glu).

NM_001291303.3(FAT4):c.9704T>A (p.Val3235Glu)

Gene: FAT4 (FAT atypical cadherin 4; plus strand). Cytogenetic location: 4q28.1.
Variant type: single nucleotide variant.
Coding change: c.9704T>A on transcript NM_001291303.3 (MANE Select); coding-DNA position 9704, T replaced by A.
Protein change: p.Val3235Glu; replaces valine 3235 with glutamic acid.
Molecular consequence: missense variant.
Genome position (GRCh38, 1-based): chr4:125,450,714, T>A. VCF-style: chr4-125450714-T-A. GRCh37 (hg19) VCF-style: chr4-126371869-T-A.
Other names: c.9704T>A, p.Val3235Glu (NM_001291285.3); c.9698T>A, p.Val3233Glu (NM_024582.6); short protein forms V3233E, V3235E.
Identifiers: ClinVar variation 1718089 (VCV001718089.5), dbSNP rs1726028706, ClinGen allele CA358153657.